The following is an entry in ClinVar:

ClinVar aggregate classification (germline): Likely pathogenic (1 of 4 stars; one submission).

Conditions:
D-2-hydroxyglutaric aciduria 1 (D2HGA1). Identifiers: Orphanet 79315, MedGen C3152055, MONDO:0024554, OMIM 600721.

gnomAD v4.1: 45 of 1,613,034 alleles (0.0028%); highest among the groups gnomAD compares: Non-Finnish European, 0.0036%; no homozygotes.

Submission:

First Genomix Gene Laboratory, Genetic Diagnostics Department
Classification: Likely pathogenic for D-2-hydroxyglutaric aciduria 1. Last evaluated: 2025-07-29. Review status: criteria provided, single submitter. Criteria: ACMG Guidelines, 2015. Collection method: clinical testing. Allele origin: germline. Inheritance: Autosomal recessive inheritance. Affected: no. Observed: 1 variant allele.

NM_152783.5(D2HGDH):c.614C>T (p.Ala205Val)

Gene: D2HGDH (D-2-hydroxyglutarate dehydrogenase; plus strand). Cytogenetic location: 2q37.3.
Variant type: single nucleotide variant.
Coding change: c.614C>T on transcript NM_152783.5 (MANE Select); coding-DNA position 614, C replaced by T.
Protein change: p.Ala205Val; replaces alanine 205 with valine.
Molecular consequence: missense variant. On other transcripts: non-coding transcript variant (1).
Genome position (GRCh38, 1-based): chr2:241,743,745, C>T. VCF-style: chr2-241743745-C-T. GRCh37 (hg19) VCF-style: chr2-242683160-C-T.
Other names: c.212C>T, p.Ala71Val (NM_001287249.2); c.53C>T, p.Ala18Val (NM_001352824.2); short protein forms A18V, A205V, A71V.
Identifiers: ClinVar variation 4850644 (VCV004850644.1).